The following is an entry in ClinVar:

NM_000245.4(MET):c.1562G>A (p.Arg521Lys)

Gene: MET (MET proto-oncogene, receptor tyrosine kinase; plus strand). Cytogenetic location: 7q31.2.
Variant type: single nucleotide variant.
Coding change: c.1562G>A on transcript NM_000245.4 (MANE Select); coding-DNA position 1562, G replaced by A.
Protein change: p.Arg521Lys; replaces arginine 521 with lysine.
Molecular consequence: missense variant.
Genome position (GRCh38, 1-based): chr7:116,740,886, G>A. VCF-style: chr7-116740886-G-A. GRCh37 (hg19) VCF-style: chr7-116380940-G-A.
Other names: c.1562G>A, p.Arg521Lys (NM_001127500.3, NM_001324401.3); c.272G>A, p.Arg91Lys (NM_001324402.2); short protein forms R521K, R91K.
Identifiers: ClinVar variation 1051350 (VCV001051350.9), dbSNP rs1404664878, ClinGen allele CA368975099.

ClinVar aggregate classification (germline): Uncertain significance (1 of 4 stars; one submission).

Conditions:
Renal cell carcinoma. Identifiers: Orphanet 217071, MedGen C0007134, MeSH D002292, MONDO:0005086, HP:0005584.

Allele frequency attached by ClinVar (database versions not stated): gnomAD exomes 0.00001.
gnomAD v4.1: 4 of 1,614,138 alleles (0.00025%); highest among the groups gnomAD compares: South Asian, 0.0044%; 1 homozygote.

Submission:

Labcorp Genetics (formerly Invitae), Labcorp
Classification: Uncertain significance for Renal cell carcinoma. Last evaluated: 2020-07-13. Review status: criteria provided, single submitter. Criteria: Invitae Variant Classification Sherloc (09022015). Collection method: clinical testing. Allele origin: germline.
Comment: Algorithms developed to predict the effect of missense changes on protein structure and function (SIFT, PolyPhen-2, Align-GVGD) all suggest that this variant is likely to be tolerated, but these predictions have not been confirmed by published functional studies and their clinical significance is uncertain. This variant has not been reported in the literature in individuals with MET-related conditions. This variant is not present in population databases (ExAC no frequency). This sequence change replaces arginine with lysine at codon 521 of the MET protein (p.Arg521Lys). The arginine residue is weakly conserved and there is a small physicochemical difference between arginine and lysine. In summary, the available evidence is currently insufficient to determine the role of this variant in disease. Therefore, it has been classified as a Variant of Uncertain Significance.